The following is an entry in ClinVar:

ClinVar aggregate classification (germline): Pathogenic (1 of 4 stars; one submission).

Submission:

Labcorp Genetics (formerly Invitae), Labcorp
Classification: Pathogenic. Last evaluated: 2023-06-27. Review status: criteria provided, single submitter. Criteria: Invitae Variant Classification Sherloc (09022015). Collection method: clinical testing. Allele origin: germline.
Comment: This sequence change creates a premature translational stop signal (p.Glu736*) in the ADGRV1 gene. It is expected to result in an absent or disrupted protein product. Loss-of-function variants in ADGRV1 are known to be pathogenic (PMID: 19357117, 22135276, 22147658, 26226137, 30718709, 31047384, 32467589). Information on the frequency of this variant in the gnomAD database is not available, as this variant may be reported differently in the database. This variant has not been reported in the literature in individuals affected with ADGRV1-related conditions. For these reasons, this variant has been classified as Pathogenic.

Literature cited by the submitters: PubMed 19357117; PubMed 22135276; PubMed 22147658; PubMed 26226137; PubMed 30718709; PubMed 31047384; PubMed 32467589.

NM_032119.4(ADGRV1):c.2205_2206delinsTT (p.Glu736Ter)

Gene: ADGRV1 (adhesion G protein-coupled receptor V1; plus strand). Cytogenetic location: 5q14.3.
Variant type: Indel.
Coding change: c.2205_2206delinsTT on transcript NM_032119.4 (MANE Select); coding-DNA positions 2205 to 2206, GG replaced by TT.
Protein change: p.Glu736Ter; replaces glutamic acid 736 with a stop codon.
Molecular consequence: nonsense. On other transcripts: non-coding transcript variant (1).
Genome position (GRCh38, 1-based): chr5:90,637,913-90,637,914, GG replaced by TT. VCF-style: chr5-90637913-GG-TT. GRCh37 (hg19) VCF-style: chr5-89933730-GG-TT.
Other names: short protein forms E736*.
Identifiers: ClinVar variation 2729679 (VCV002729679.3), dbSNP rs2531935679, ClinGen allele CA645567462.